The following is an entry in ClinVar:

ClinVar aggregate classification (germline): Uncertain significance (1 of 4 stars; one submission).

Conditions:
Neuroblastoma, susceptibility to, 3. Also called: ALK-Related Neuroblastic Tumor Susceptibility. Identifiers: Orphanet 635, MedGen C2751681, MONDO:0013083, OMIM 613014.

gnomAD v4.1: 1 of 1,551,550 alleles (0.000064%); highest among the groups gnomAD compares: Non-Finnish European, 0.000087%; no homozygotes.

Submission:

Labcorp Genetics (formerly Invitae), Labcorp
Classification: Uncertain significance for Neuroblastoma, susceptibility to, 3. Last evaluated: 2022-11-08. Review status: criteria provided, single submitter. Criteria: Invitae Variant Classification Sherloc (09022015). Collection method: clinical testing. Allele origin: germline.
Comment: In summary, the available evidence is currently insufficient to determine the role of this variant in disease. Therefore, it has been classified as a Variant of Uncertain Significance. Algorithms developed to predict the effect of missense changes on protein structure and function are either unavailable or do not agree on the potential impact of this missense change (SIFT: "Deleterious"; PolyPhen-2: "Benign"; Align-GVGD: "Class C0"). This variant has not been reported in the literature in individuals affected with ALK-related conditions. This variant is not present in population databases (gnomAD no frequency). This sequence change replaces threonine, which is neutral and polar, with arginine, which is basic and polar, at codon 16 of the ALK protein (p.Thr16Arg).

NM_004304.5(ALK):c.47C>G (p.Thr16Arg)

Gene: ALK (ALK receptor tyrosine kinase; minus strand). Cytogenetic location: 2p23.1.
Variant type: single nucleotide variant.
Coding change: c.47C>G on transcript NM_004304.5 (MANE Select); coding-DNA position 47, C replaced by G.
Protein change: p.Thr16Arg; replaces threonine 16 with arginine.
Molecular consequence: missense variant.
Genome position (GRCh38, 1-based): chr2:29,920,613, G>C on the plus strand (C>G on the coding strand, the complement: ALK is on the minus strand). VCF-style: chr2-29920613-G-C. GRCh37 (hg19) VCF-style: chr2-30143479-G-C.
Other names: short protein forms T16R.
Identifiers: ClinVar variation 2812755 (VCV002812755.3), dbSNP rs542229113, ClinGen allele CA346590790.